The following is an entry in ClinVar:

NM_001384140.1(PCDH15):c.262G>A (p.Asp88Asn)

Gene: PCDH15 (protocadherin related 15; minus strand). Cytogenetic location: 10q21.1.
Variant type: single nucleotide variant.
Coding change: c.262G>A on transcript NM_001384140.1 (MANE Select); coding-DNA position 262, G replaced by A.
Protein change: p.Asp88Asn; replaces aspartic acid 88 with asparagine.
Molecular consequence: missense variant.
Genome position (GRCh38, 1-based): chr10:54,378,838, C>T on the plus strand (G>A on the coding strand, the complement: PCDH15 is on the minus strand). VCF-style: chr10-54378838-C-T. GRCh37 (hg19) VCF-style: chr10-56138598-C-T.
Other names: c.277G>A, p.Asp93Asn (NM_001142763.2, NM_001142769.4, NM_001142771.2); c.262G>A, p.Asp88Asn (NM_001142764.2, NM_001142765.2, NM_001142766.2 and 8 more transcripts); c.196G>A, p.Asp66Asn (NM_001142768.2, NM_001142773.2, NM_001354404.2); short protein forms D66N, D88N, D93N.
Identifiers: ClinVar variation 3367338 (VCV003367338.1).
Genomic context (GRCh38, chr10:54,378,838, plus strand): 5'-TAACATCTCTATCCAGAACTCTTCCGGTGCTGTTCAGGAAAAGCATTTGCTTAACAGGAT[C>T]CATCAACACCCAGTAATCCACATTATCCTTTAAAGAAAGTTCTATGGTGGGGTCTGGTCC-3'
Protein context (NP_001371069.1, residues 78-98): KDNVDYWVLM[Asp88Asn]PVKQMLFLNS

ClinVar aggregate classification (germline): Uncertain significance (1 of 4 stars; one submission).

Submission:

GeneDx
Classification: Uncertain significance. Last evaluated: 2024-01-02. Review status: criteria provided, single submitter. Criteria: GeneDx Variant Classification Process June 2021. Collection method: clinical testing. Allele origin: germline. Affected: yes.
Comment: Not observed at significant frequency in large population cohorts (gnomAD); In silico analysis supports that this missense variant has a deleterious effect on protein structure/function; Has not been previously published as pathogenic or benign to our knowledge